The following is an entry in ClinVar:

ClinVar aggregate classification (germline): Benign/Likely benign. Review status: criteria provided, multiple submitters, no conflicts (2 of 4 stars). 7 submissions from 6 submitters: Benign (2); Likely benign (5). Last evaluated 2025-12-24.

Conditions:
Inborn genetic diseases. Identifiers: MedGen C0950123, MeSH D030342.
Dystonia 9 (DYT9). Also called: CHOREOATHETOSIS, KINESIGENIC, WITH EPISODIC ATAXIA AND SPASTICITY. Identifiers: Orphanet 53583, MedGen C1832855, MONDO:0010983, OMIM 601042.
Encephalopathy due to GLUT1 deficiency. Also called: Glucose transporter protein syndrome; GLUT1 deficiency syndrome 1, infantile onset, severe; GLUCOSE TRANSPORT DEFECT, BLOOD-BRAIN BARRIER; De Vivo disease; GLUT1 deficiency syndrome 1; Classic Glucose Transporter Type 1 Deficiency Syndrome. Identifiers: Orphanet 71277, MedGen C4551966, MONDO:0011724, OMIM 606777.
GLUT1 deficiency syndrome 1, autosomal recessive. Identifiers: MedGen C3149117.

Allele frequency attached by ClinVar (database versions not stated): gnomAD exomes 0.00010 and 0.00021; ExAC 0.00018; ESP Exome Variant Server 0.00023; gnomAD 0.00031; 1000 Genomes Project 0.00040; TOPMed 0.00046; 1000 Genomes Project 30x 0.00047.

Submissions (7):

Labcorp Genetics (formerly Invitae), Labcorp
Classification: Likely benign for GLUT1 deficiency syndrome 1, autosomal recessive. Last evaluated: 2025-12-24. Review status: criteria provided, single submitter. Criteria: Invitae Variant Classification Sherloc (09022015). Collection method: clinical testing. Allele origin: germline.

Mayo Clinic Laboratories, Mayo Clinic
Classification: Likely benign. Last evaluated: 2025-08-01. Review status: criteria provided, single submitter. Criteria: ACMG Guidelines, 2015. Collection method: clinical testing. Allele origin: germline. Observed: 4 variant alleles.
Comment: BS1, BP4

Blueprint Genetics
Classification: Likely benign. Last evaluated: 2024-07-22. Review status: criteria provided, single submitter. Criteria: ACMG Guidelines, 2015. Collection method: clinical testing. Allele origin: germline.

Ambry Genetics
Classification: Likely benign for Inborn genetic diseases. Last evaluated: 2021-06-17. Review status: criteria provided, single submitter. Criteria: Ambry Variant Classification Scheme 2023. Collection method: clinical testing. Allele origin: germline.

GeneDx
Classification: Likely benign. Last evaluated: 2021-05-10. Review status: criteria provided, single submitter. Criteria: GeneDx Variant Classification Process June 2021. Collection method: clinical testing. Allele origin: germline. Affected: yes.
Comment: This variant is associated with the following publications: (PMID: 30700737, 32025761, 23340081, 30588498)

Illumina Laboratory Services, Illumina
Classification: Benign for Encephalopathy due to GLUT1 deficiency. Last evaluated: 2018-01-13. Review status: criteria provided, single submitter. Criteria: ICSL Variant Classification Criteria 13 December 2019. Collection method: clinical testing. Allele origin: germline.
Comment: This variant was observed in the ICSL laboratory as part of a predisposition screen in an ostensibly healthy population. It had not been previously curated by ICSL or reported in the Human Gene Mutation Database (HGMD: prior to June 1st, 2018), and was therefore a candidate for classification through an automated scoring system. Utilizing variant allele frequency, disease prevalence and penetrance estimates, and inheritance mode, an automated score was calculated to assess if this variant is too frequent to cause the disease. Based on the score and internal cut-off values, a variant classified as benign is not then subjected to further curation. The score for this variant resulted in a classification of benign for this disease.

Illumina Laboratory Services, Illumina
Classification: Benign for Dystonia 9. Last evaluated: 2018-01-13. Review status: criteria provided, single submitter. Criteria: ICSL Variant Classification Criteria 13 December 2019. Collection method: clinical testing. Allele origin: germline.
Comment: the same text as in the submission from Illumina Laboratory Services, Illumina above.

Literature cited by the submitters: PubMed 23340081 (cited by Mayo Clinic Laboratories, Mayo Clinic); PubMed 30588498 (cited by Mayo Clinic Laboratories, Mayo Clinic); PubMed 30700737 (cited by Mayo Clinic Laboratories, Mayo Clinic); PubMed 32025761 (cited by Mayo Clinic Laboratories, Mayo Clinic).

NM_006516.4(SLC2A1):c.895G>A (p.Glu299Lys)

Gene: SLC2A1 (solute carrier family 2 member 1; minus strand). Cytogenetic location: 1p34.2.
Variant type: single nucleotide variant.
Coding change: c.895G>A on transcript NM_006516.4 (MANE Select); coding-DNA position 895, G replaced by A.
Protein change: p.Glu299Lys; replaces glutamic acid 299 with lysine.
Molecular consequence: missense variant.
Genome position (GRCh38, 1-based): chr1:42,929,287, C>T on the plus strand (G>A on the coding strand, the complement: SLC2A1 is on the minus strand). VCF-style: chr1-42929287-C-T. GRCh37 (hg19) VCF-style: chr1-43394958-C-T.
Other names: p.E299K:GAG>AAG; p.Glu299Lys; c.895G>A (NM_006516.3); short protein forms E299K.
Identifiers: ClinVar variation 207199 (VCV000207199.27), dbSNP rs148518827, ClinGen allele CA318444.
Genomic context (GRCh38, chr1:42,929,287, plus strand): 5'-CCGTGTTGACGATACCGGAGCCAATGGTGGCATACACAGGCTGCTGCACCCCCGCCTTCT[C>T]GAAGATGCTCGTGGAGTAATAGAAGACCTGCCAGACAAGAGAAACTGTTGGGGCCTACCT-3'
Protein context (NP_006507.2, residues 289-309): AVFYYSTSIF[Glu299Lys]KAGVQQPVYA